The following is an entry in ClinVar:

ClinVar aggregate classification (germline): Uncertain significance. Review status: criteria provided, multiple submitters, no conflicts (2 of 4 stars). 2 submissions from 2 submitters: Uncertain significance (2). Last evaluated 2023-03-28.

Conditions:
Hypertrophic cardiomyopathy. Also called: HYPERTROPHIC MYOCARDIOPATHY. Identifiers: Orphanet 217569, MedGen C0007194, MeSH D002312, MONDO:0005045, HP:0001639.

Allele frequency attached by ClinVar (database versions not stated): gnomAD exomes below 0.00001; gnomAD 0.00001.

Submissions (2):

All of Us Research Program, National Institutes of Health
Classification: Uncertain significance for Hypertrophic cardiomyopathy. Last evaluated: 2023-03-28. Review status: criteria provided, single submitter. Criteria: ACMG Guidelines, 2015. Collection method: clinical testing. Allele origin: germline. Inheritance: Autosomal dominant inheritance. Observed: 1 variant allele, 1 heterozygote.
Comment: This study involves interpretation of variants in research participants for the purpose of population health screening. Participant phenotype was not available at the time of variant classification. Additional details can be found in publication PMID: 35346344, PMCID: PMC8962531

Labcorp Genetics (formerly Invitae), Labcorp
Classification: Uncertain significance for Hypertrophic cardiomyopathy. Last evaluated: 2022-11-07. Review status: criteria provided, single submitter. Criteria: Invitae Variant Classification Sherloc (09022015). Collection method: clinical testing. Allele origin: germline.
Comment: This sequence change replaces methionine, which is neutral and non-polar, with valine, which is neutral and non-polar, at codon 1144 of the MYBPC3 protein (p.Met1144Val). The frequency data for this variant in the population databases is considered unreliable, as metrics indicate poor data quality at this position in the gnomAD database. This variant has not been reported in the literature in individuals affected with MYBPC3-related conditions. ClinVar contains an entry for this variant (Variation ID: 842312). Algorithms developed to predict the effect of missense changes on protein structure and function output the following: SIFT: "Tolerated"; PolyPhen-2: "Benign"; Align-GVGD: "Class C0". The valine amino acid residue is found in multiple mammalian species, which suggests that this missense change does not adversely affect protein function. In summary, the available evidence is currently insufficient to determine the role of this variant in disease. Therefore, it has been classified as a Variant of Uncertain Significance.

NM_000256.3(MYBPC3):c.3430A>G (p.Met1144Val)

Gene: MYBPC3 (myosin binding protein C3; minus strand). Cytogenetic location: 11p11.2.
Variant type: single nucleotide variant.
Coding change: c.3430A>G on transcript NM_000256.3 (MANE Select); coding-DNA position 3430, A replaced by G.
Protein change: p.Met1144Val; replaces methionine 1144 with valine.
Molecular consequence: missense variant.
Genome position (GRCh38, 1-based): chr11:47,332,874, T>C on the plus strand (A>G on the coding strand, the complement: MYBPC3 is on the minus strand). VCF-style: chr11-47332874-T-C. GRCh37 (hg19) VCF-style: chr11-47354425-T-C.
Other names: short protein forms M1144V.
Identifiers: ClinVar variation 842312 (VCV000842312.11), dbSNP rs1478200790, ClinGen allele CA380313347.